The following is an entry in ClinVar:

NM_000180.4(GUCY2D):c.991C>A (p.Arg331Ser)

Gene: GUCY2D (guanylate cyclase 2D, retinal; plus strand). Cytogenetic location: 17p13.1.
Variant type: single nucleotide variant.
Coding change: c.991C>A on transcript NM_000180.4 (MANE Select); coding-DNA position 991, C replaced by A.
Protein change: p.Arg331Ser; replaces arginine 331 with serine.
Molecular consequence: missense variant.
Genome position (GRCh38, 1-based): chr17:8,004,121, C>A. VCF-style: chr17-8004121-C-A. GRCh37 (hg19) VCF-style: chr17-7907439-C-A.
Other names: short protein forms R331S.
Identifiers: ClinVar variation 859779 (VCV000859779.13), dbSNP rs34596269, ClinGen allele CA8365609.

ClinVar aggregate classification (germline): Uncertain significance. Review status: criteria provided, multiple submitters, no conflicts (2 of 4 stars). 5 submissions from 5 submitters: Uncertain significance (5). Last evaluated 2026-03-01.

Conditions:
GUCY2D-related disorder. Also called: GUCY2D-related condition.
Inborn genetic diseases. Identifiers: MedGen C0950123, MeSH D030342.
Cone-rod dystrophy 6 (CORD6). Also called: Cone dystrophy progressive; RETINAL CONE DYSTROPHY 2. Identifiers: Orphanet 1872, MedGen C1866293, MONDO:0011143, OMIM 601777.
Leber congenital amaurosis 1 (LCA1). Also called: RETINAL BLINDNESS, CONGENITAL; AMAUROSIS CONGENITA OF LEBER I; Congenital absence of the rods and cones; Leber's congenital tapetoretinal degeneration; Leber's congenital tapetoretinal dysplasia. Identifiers: Orphanet 65, MedGen C2931258, MONDO:0008764, OMIM 204000.

Allele frequency attached by ClinVar (database versions not stated): ExAC 0.00007; gnomAD exomes 0.00008 and 0.00019; TOPMed 0.00012; gnomAD 0.00013; ESP Exome Variant Server 0.00031.

Submissions (5):

CeGaT Center for Human Genetics Tuebingen
Classification: Uncertain significance. Last evaluated: 2026-03-01. Review status: criteria provided, single submitter. Criteria: CeGaT Center For Human Genetics Tuebingen Variant Classification Criteria Version 2. Collection method: clinical testing. Allele origin: germline. Affected: yes. Observed: 1 variant allele.
Comment: GUCY2D: PM2, BP4

Ambry Genetics
Classification: Uncertain significance for Inborn genetic diseases. Last evaluated: 2025-11-24. Review status: criteria provided, single submitter. Criteria: Ambry Variant Classification Scheme 2023. Collection method: clinical testing. Allele origin: germline.

PreventionGenetics, part of Exact Sciences
Classification: Uncertain significance for GUCY2D-related condition. Last evaluated: 2025-09-05. Review status: criteria provided, single submitter. Criteria: ACMG Guidelines, 2015. Collection method: clinical testing. Allele origin: germline.
Comment: The GUCY2D c.991C>A variant is predicted to result in the amino acid substitution p.Arg331Ser. To our knowledge, this variant has not been reported in the literature. This variant is reported in 0.018% of alleles in individuals of European (Non-Finnish) descent in gnomAD. At this time, the clinical significance of this variant is uncertain due to the absence of conclusive functional and genetic evidence.

Labcorp Genetics (formerly Invitae), Labcorp
Classification: Uncertain significance for Leber congenital amaurosis 1; Cone-rod dystrophy 6. Last evaluated: 2025-05-22. Review status: criteria provided, single submitter. Criteria: Invitae Variant Classification Sherloc (09022015). Collection method: clinical testing. Allele origin: germline.
Comment: This sequence change replaces arginine, which is basic and polar, with serine, which is neutral and polar, at codon 331 of the GUCY2D protein (p.Arg331Ser). This variant is present in population databases (rs34596269, gnomAD 0.01%). This variant has not been reported in the literature in individuals affected with GUCY2D-related conditions. ClinVar contains an entry for this variant (Variation ID: 859779). Invitae Evidence Modeling of protein sequence and biophysical properties (such as structural, functional, and spatial information, amino acid conservation, physicochemical variation, residue mobility, and thermodynamic stability) indicates that this missense variant is not expected to disrupt GUCY2D protein function with a negative predictive value of 80%. In summary, the available evidence is currently insufficient to determine the role of this variant in disease. Therefore, it has been classified as a Variant of Uncertain Significance.

Blueprint Genetics
Classification: Uncertain significance. Last evaluated: 2024-10-11. Review status: criteria provided, single submitter. Criteria: ACMG Guidelines, 2015. Collection method: clinical testing. Allele origin: germline.